The following is an entry in ClinVar:

NM_000441.2(SLC26A4):c.1341+1G>C

Gene: SLC26A4 (solute carrier family 26 member 4; plus strand). Cytogenetic location: 7q22.3.
Variant type: single nucleotide variant.
Coding change: c.1341+1G>C on transcript NM_000441.2 (MANE Select); the canonical splice donor site of the intron after coding-DNA position 1341, G replaced by C.
Molecular consequence: splice donor variant.
Genome position (GRCh38, 1-based): chr7:107,694,481, G>C. VCF-style: chr7-107694481-G-C. GRCh37 (hg19) VCF-style: chr7-107334926-G-C.
Identifiers: ClinVar variation 370343 (VCV000370343.17), dbSNP rs376653349, ClinGen allele CA4432778.

ClinVar aggregate classification (germline): Pathogenic. Review status: criteria provided, multiple submitters, no conflicts (2 of 4 stars). 7 submissions from 6 submitters: Pathogenic (6). 1 of the submissions does not count toward it. Last evaluated 2026-07-16.

Conditions:
SLC26A4-related disorder. Also called: SLC26A4-related condition; SLC26A4-related disorders.
Autosomal recessive nonsyndromic hearing loss 4 (DFNB4). Also called: DEAFNESS, AUTOSOMAL RECESSIVE 4, WITH ENLARGED VESTIBULAR AQUEDUCT, DIGENIC; FOXI1-Related Pendred Syndrome; KCNJ10-Related Pendred Syndrome; Nonsyndromic enlarged vestibular aqueduct (NSEVA); Deafness, autosomal recessive 4, with enlarged vestibular aqueduct; NEUROSENSORY NONSYNDROMIC RECESSIVE DEAFNESS 4. Identifiers: Orphanet 90636, MedGen C3538946, MONDO:0010933, OMIM 600791.
Pendred syndrome (PDS). Also called: Pendred's syndrome; Pendred Syndrome (PDS); DEAFNESS WITH GOITER; GOITER-DEAFNESS SYNDROME; HYPOTHYROIDISM, CONGENITAL, DUE TO DYSHORMONOGENESIS, 2B; THYROID DYSHORMONOGENESIS 2B. Identifiers: Orphanet 705, MedGen C0271829, MONDO:0010134, OMIM 274600.

Allele frequency attached by ClinVar (database versions not stated): gnomAD exomes 0.00001 and 0.00002; TOPMed 0.00001; ExAC 0.00002; ESP Exome Variant Server 0.00008.

Submissions (7):

PreventionGenetics, part of Exact Sciences
Classification: Pathogenic for SLC26A4-related condition. Last evaluated: 2026-07-16. Review status: criteria provided, single submitter. Criteria: ACMG Guidelines, 2015. Collection method: clinical testing. Allele origin: germline.
Comment: The SLC26A4 c.1341+1G>C variant is predicted to disrupt the GT donor site and interfere with normal splicing. This variant has been reported in the homozygous state in an individual with Pendred syndrome and with other SLC26A4 variants in multiple individuals with enlarged vestibular aqueduct, Mondini dysplasia, and sensorineural hearing loss (Albert et al. 2006. PubMed ID: 16570074; Supplementary Table S2, Dahl et al. 2013. PubMed ID: 23555729; Table S1, Rendtorff et al. 2013. PubMed ID: 23336812; Ladsous et al. 2014. PubMed ID: 24224479). This variant is reported in 0.0035% of alleles in individuals of European (Non-Finnish) descent in gnomAD. Variants that disrupt the consensus splice donor site in SLC26A4 are expected to be pathogenic. This variant is interpreted as pathogenic.

Natera, Inc.
Classification: Pathogenic for Pendred syndrome. Last evaluated: 2025-06-05. Review status: criteria provided, single submitter. Criteria: Natera Variant Classification Schema (03/2026). Collection method: clinical testing. Allele origin: germline.
Comment: The c.1341+1G>C variant in SLC26A4 is a canonical splice donor site variant predicted to affect pre-mRNA splicing, which may result in an abnormal transcript and altered protein product. This variant is expected to result in nonsense mediated decay, truncation, or a dysfunctional protein product. This variant is rare in the general population with a frequency below the threshold expected for the associated phenotype(s). This variant has been observed in one or more individuals affected with the associated recessive disease, as either homozygous or compound heterozygous with a second variant (PMID: 23336812). Given the available evidence, this variant is classified as Pathogenic.

Baylor Genetics
Classification: Pathogenic for Autosomal recessive nonsyndromic hearing loss 4. Last evaluated: 2024-03-25. Review status: criteria provided, single submitter. Criteria: ACMG Guidelines, 2015. Collection method: clinical testing. Allele origin: unknown.

Labcorp Genetics (formerly Invitae), Labcorp
Classification: Pathogenic. Last evaluated: 2023-02-03. Review status: criteria provided, single submitter. Criteria: Invitae Variant Classification Sherloc (09022015). Collection method: clinical testing. Allele origin: germline.
Comment: This sequence change affects a donor splice site in intron 11 of the SLC26A4 gene. It is expected to disrupt RNA splicing. Variants that disrupt the donor or acceptor splice site typically lead to a loss of protein function (PMID: 16199547), and loss-of-function variants in SLC26A4 are known to be pathogenic (PMID: 16283880, 25394566, 26252218, 26445815). This variant is present in population databases (rs376653349, gnomAD 0.004%). Disruption of this splice site has been observed in individuals with LC26A4-related conditions (PMID: 16570074, 24224479). ClinVar contains an entry for this variant (Variation ID: 370343). Algorithms developed to predict the effect of sequence changes on RNA splicing suggest that this variant may disrupt the consensus splice site. For these reasons, this variant has been classified as Pathogenic.

Genome-Nilou Lab
Classification: Pathogenic for Autosomal recessive nonsyndromic hearing loss 4. Last evaluated: 2021-09-05. Review status: criteria provided, single submitter. Criteria: ACMG Guidelines, 2015. Collection method: clinical testing. Allele origin: germline. Affected: no.

Genome-Nilou Lab
Classification: Pathogenic for Pendred syndrome. Last evaluated: 2021-09-05. Review status: criteria provided, single submitter. Criteria: ACMG Guidelines, 2015. Collection method: clinical testing. Allele origin: germline. Affected: no.

Counsyl
Classification: Pathogenic for Pendred syndrome. Last evaluated: 2016-01-18. Review status: no assertion criteria provided. Collection method: clinical testing. Allele origin: unknown. Not counted in ClinVar's aggregate classification.

Literature cited by the submitters: PubMed 23336812 (cited by Natera, Inc. and Counsyl); PubMed 16199547 (cited by Labcorp Genetics (formerly Invitae), Labcorp); PubMed 16283880 (cited by Labcorp Genetics (formerly Invitae), Labcorp); PubMed 25394566 (cited by Labcorp Genetics (formerly Invitae), Labcorp); PubMed 26252218 (cited by Labcorp Genetics (formerly Invitae), Labcorp); PubMed 26445815 (cited by Labcorp Genetics (formerly Invitae), Labcorp); PubMed 16570074 (cited by Labcorp Genetics (formerly Invitae), Labcorp and Counsyl); PubMed 24224479 (cited by Labcorp Genetics (formerly Invitae), Labcorp and Counsyl); PubMed 23555729 (cited by Counsyl).